The following is an entry in ClinVar:

ClinVar aggregate classification (germline): Uncertain significance. Review status: criteria provided, multiple submitters, no conflicts (2 of 4 stars). 2 submissions from 2 submitters: Uncertain significance (2). Last evaluated 2024-05-28.

gnomAD v4.1: 2 of 1,544,254 alleles (0.00013%); highest among the groups gnomAD compares: Admixed American, 0.0019%; no homozygotes.

Submissions (2):

Labcorp Genetics (formerly Invitae), Labcorp
Classification: Uncertain significance. Last evaluated: 2024-05-28. Review status: criteria provided, single submitter. Criteria: Invitae Variant Classification Sherloc (09022015). Collection method: clinical testing. Allele origin: germline.
Comment: This sequence change replaces histidine, which is basic and polar, with glutamine, which is neutral and polar, at codon 528 of the BCL11B protein (p.His528Gln). This variant is not present in population databases (gnomAD no frequency). This variant has not been reported in the literature in individuals affected with BCL11B-related conditions. Advanced modeling of protein sequence and biophysical properties (such as structural, functional, and spatial information, amino acid conservation, physicochemical variation, residue mobility, and thermodynamic stability) performed at Invitae indicates that this missense variant is not expected to disrupt BCL11B protein function with a negative predictive value of 80%. In summary, the available evidence is currently insufficient to determine the role of this variant in disease. Therefore, it has been classified as a Variant of Uncertain Significance.

Blueprint Genetics
Classification: Uncertain significance. Last evaluated: 2021-12-21. Review status: criteria provided, single submitter. Criteria: ACMG Guidelines, 2015. Collection method: clinical testing. Allele origin: germline.

NM_138576.4(BCL11B):c.1584C>G (p.His528Gln)

Gene: BCL11B (BCL11 transcription factor B; minus strand). Cytogenetic location: 14q32.2.
Variant type: single nucleotide variant.
Coding change: c.1584C>G on transcript NM_138576.4 (MANE Select); coding-DNA position 1584, C replaced by G.
Protein change: p.His528Gln; replaces histidine 528 with glutamine.
Molecular consequence: missense variant.
Genome position (GRCh38, 1-based): chr14:99,175,252, G>C on the plus strand (C>G on the coding strand, the complement: BCL11B is on the minus strand). VCF-style: chr14-99175252-G-C. GRCh37 (hg19) VCF-style: chr14-99641589-G-C.
Other names: c.1581C>G, p.His527Gln (NM_001282237.2); c.1368C>G, p.His456Gln (NM_001282238.2); c.1371C>G, p.His457Gln (NM_022898.3); short protein forms H528Q, H456Q, H457Q, H527Q.
Identifiers: ClinVar variation 3713443 (VCV003713443.3).